The following is an entry in ClinVar:

NM_000540.3(RYR1):c.3575G>C (p.Ser1192Thr)

Gene: RYR1 (ryanodine receptor 1; plus strand). Cytogenetic location: 19q13.2.
Variant type: single nucleotide variant.
Coding change: c.3575G>C on transcript NM_000540.3 (MANE Select); coding-DNA position 3575, G replaced by C.
Protein change: p.Ser1192Thr; replaces serine 1192 with threonine.
Molecular consequence: missense variant.
Genome position (GRCh38, 1-based): chr19:38,469,323, G>C. VCF-style: chr19-38469323-G-C. GRCh37 (hg19) VCF-style: chr19-38959963-G-C.
Other names: c.3575G>C, p.Ser1192Thr (NM_001042723.2); short protein forms S1192T.
Identifiers: ClinVar variation 2896569 (VCV002896569.3), dbSNP rs768384023, ClinGen allele CA065034.

ClinVar aggregate classification (germline): Uncertain significance (1 of 4 stars; one submission).

Conditions:
RYR1-related disorder. Also called: RYR1-related condition; RYR1-related disorders. Identifiers: MedGen CN239331.

Allele frequency attached by ClinVar (database versions not stated): ExAC 0.00001.

Submission:

Labcorp Genetics (formerly Invitae), Labcorp
Classification: Uncertain significance for RYR1-related disorder. Last evaluated: 2023-05-22. Review status: criteria provided, single submitter. Criteria: Invitae Variant Classification Sherloc (09022015). Collection method: clinical testing. Allele origin: germline.
Comment: In summary, the available evidence is currently insufficient to determine the role of this variant in disease. Therefore, it has been classified as a Variant of Uncertain Significance. Advanced modeling of protein sequence and biophysical properties (such as structural, functional, and spatial information, amino acid conservation, physicochemical variation, residue mobility, and thermodynamic stability) performed at Invitae indicates that this missense variant is not expected to disrupt RYR1 protein function. This variant has not been reported in the literature in individuals affected with RYR1-related conditions. This variant is present in population databases (rs768384023, gnomAD 0.0009%). This sequence change replaces serine, which is neutral and polar, with threonine, which is neutral and polar, at codon 1192 of the RYR1 protein (p.Ser1192Thr).